The following is an entry in ClinVar:

ClinVar aggregate classification (germline): Pathogenic (1 of 4 stars; one submission).

Conditions:
Hereditary cancer-predisposing syndrome. Also called: Neoplastic Syndromes, Hereditary; Tumor predisposition; Hereditary Cancer Syndrome; Hereditary neoplastic syndrome. Identifiers: Orphanet 140162, MedGen C0027672, MeSH D009386, MONDO:0015356.

Submission:

Ambry Genetics
Classification: Pathogenic for Hereditary cancer-predisposing syndrome. Last evaluated: 2025-06-28. Review status: criteria provided, single submitter. Criteria: Ambry Variant Classification Scheme 2023. Collection method: clinical testing. Allele origin: germline.
Comment: The c.3410delT pathogenic mutation, located in coding exon 5 of the MSH6 gene, results from a deletion of one nucleotide at nucleotide position 3410, causing a translational frameshift with a predicted alternate stop codon (p.M1137Rfs*8). This alteration is expected to result in loss of function by premature protein truncation or nonsense-mediated mRNA decay. As such, this alteration is interpreted as a disease-causing mutation.

NM_000179.3(MSH6):c.3410del (p.Met1137fs)

Gene: MSH6 (mutS homolog 6; plus strand). Cytogenetic location: 2p16.3.
Variant type: Deletion.
Coding change: c.3410del on transcript NM_000179.3 (MANE Select); coding-DNA position 3410, one base deleted (T; older notation c.3410delT).
Protein change: p.Met1137fs; shifts the reading frame from methionine 1137.
Molecular consequence: frameshift variant.
Genome position (GRCh38, 1-based): chr2:47,803,657, T deleted. VCF-style (leftmost placement, unchanged base first): chr2-47803656-AT-A. GRCh37 (hg19) VCF-style: chr2-48030795-AT-A.
Other names: c.3020del, p.Met1007fs (NM_001281492.2); c.2504del, p.Met835fs (NM_001281493.2, NM_001281494.2); c.3113delT, p.Met1038Argfs (NM_001406797.1, NM_001406801.1, NM_001406805.1 and 10 more transcripts); c.3236delT, p.Met1079Argfs (NM_001406798.1); c.2885delT, p.Met962Argfs (NM_001406799.1, NM_001406806.1, NM_001406807.1); c.3410delT, p.Met1137Argfs (NM_001406800.1, NM_001406796.1, NM_001406808.1 and 1 more transcripts); c.3506delT, p.Met1169Argfs (NM_001406802.1, NM_001406795.1); c.2546delT, p.Met849Argfs (NM_001406803.1); and 8 more; short protein forms M1007fs, M1137fs, M835fs.
Identifiers: ClinVar variation 1731169 (VCV001731169.3), dbSNP rs2530775143, ClinGen allele CA2580067104.